The following is an entry in ClinVar:

NM_015541.3(LRIG1):c.1964A>T (p.Asp655Val)

Gene: LRIG1 (leucine rich repeats and immunoglobulin like domains 1; minus strand). Cytogenetic location: 3p14.1.
Variant type: single nucleotide variant.
Coding change: c.1964A>T on transcript NM_015541.3 (MANE Select); coding-DNA position 1964, A replaced by T.
Protein change: p.Asp655Val; replaces aspartic acid 655 with valine.
Molecular consequence: missense variant.
Genome position (GRCh38, 1-based): chr3:66,384,098, T>A on the plus strand (A>T on the coding strand, the complement: LRIG1 is on the minus strand). VCF-style: chr3-66384098-T-A. GRCh37 (hg19) VCF-style: chr3-66434522-T-A.
Other names: c.1889A>T, p.Asp630Val (NM_001377344.1); c.1184A>T, p.Asp395Val (NM_001377345.1, NM_001377346.1); c.962A>T, p.Asp321Val (NM_001377347.1); c.935A>T, p.Asp312Val (NM_001377348.1); c.680A>T, p.Asp227Val (NM_001377349.1); short protein forms D227V, D312V, D321V, D395V, D630V, D655V.
Identifiers: ClinVar variation 2632892 (VCV002632892.1), dbSNP rs201130206, ClinGen allele CA353460974.

ClinVar aggregate classification (germline): Uncertain significance (1 of 4 stars; one submission).

Conditions:
LRIG1-related disorder. Also called: LRIG1-related condition.

Submission:

PreventionGenetics, part of Exact Sciences
Classification: Uncertain significance for LRIG1-related condition. Last evaluated: 2023-05-24. Review status: criteria provided, single submitter. Criteria: ACMG Guidelines, 2015. Collection method: clinical testing. Allele origin: germline.
Comment: The LRIG1 c.1964A>T variant is predicted to result in the amino acid substitution p.Asp655Val. To our knowledge, this variant has not been reported in the literature or in a large population database, indicating this variant is rare. At this time, the clinical significance of this variant is uncertain due to the absence of conclusive functional and genetic evidence.